The following is an entry in ClinVar:

NM_001375834.1(WIPF1):c.635A>T (p.Gln212Leu)

Gene: WIPF1 (WAS/WASL interacting protein family member 1; minus strand). Cytogenetic location: 2q31.1.
Variant type: single nucleotide variant.
Coding change: c.635A>T on transcript NM_001375834.1 (MANE Select); coding-DNA position 635, A replaced by T.
Protein change: p.Gln212Leu; replaces glutamine 212 with leucine.
Molecular consequence: missense variant.
Genome position (GRCh38, 1-based): chr2:174,572,170, T>A on the plus strand (A>T on the coding strand, the complement: WIPF1 is on the minus strand). VCF-style: chr2-174572170-T-A. GRCh37 (hg19) VCF-style: chr2-175436898-T-A.
Other names: c.635A>T, p.Gln212Leu (NM_001077269.1, NM_001375832.1, NM_001375833.1 and 5 more transcripts); c.257A>T, p.Gln86Leu (NM_001375839.1); short protein forms Q86L, Q212L.
Identifiers: ClinVar variation 4768914 (VCV004768914.1).

ClinVar aggregate classification (germline): Uncertain significance (1 of 4 stars; one submission).

Conditions:
Wiskott-Aldrich syndrome 2 (WAS2). Also called: WIPF1 DEFICIENCY. Identifiers: Orphanet 906, MedGen C3281001, MONDO:0013779, OMIM 614493.

gnomAD v4.1: 19 of 1,613,974 alleles (0.0012%); highest among the groups gnomAD compares: Non-Finnish European, 0.0014%; no homozygotes.

Submission:

Labcorp Genetics (formerly Invitae), Labcorp
Classification: Uncertain significance for Wiskott-Aldrich syndrome 2. Last evaluated: 2025-11-03. Review status: criteria provided, single submitter. Criteria: Invitae Variant Classification Sherloc (09022015). Collection method: clinical testing. Allele origin: germline.
Comment: This sequence change replaces glutamine, which is neutral and polar, with leucine, which is neutral and non-polar, at codon 212 of the WIPF1 protein (p.Gln212Leu). This variant is present in population databases (rs751745775, gnomAD 0.004%). This variant has not been reported in the literature in individuals affected with WIPF1-related conditions. An algorithm developed to predict the effect of missense changes on protein structure and function (PolyPhen-2) suggests that this variant is likely to be tolerated. In summary, the available evidence is currently insufficient to determine the role of this variant in disease. Therefore, it has been classified as a Variant of Uncertain Significance.